The following is an entry in ClinVar:

NM_000092.5(COL4A4):c.4298G>A (p.Gly1433Asp)

Gene: COL4A4 (collagen type IV alpha 4 chain; minus strand). Cytogenetic location: 2q36.3.
Variant type: single nucleotide variant.
Coding change: c.4298G>A on transcript NM_000092.5 (MANE Select); coding-DNA position 4298, G replaced by A.
Protein change: p.Gly1433Asp; replaces glycine 1433 with aspartic acid.
Molecular consequence: missense variant.
Genome position (GRCh38, 1-based): chr2:227,012,216, C>T on the plus strand (G>A on the coding strand, the complement: COL4A4 is on the minus strand). VCF-style: chr2-227012216-C-T. GRCh37 (hg19) VCF-style: chr2-227876932-C-T.
Other names: short protein forms G1433D.
Identifiers: ClinVar variation 555467 (VCV000555467.3), dbSNP rs1553614863, ClinGen allele CA350836450.
Genomic context (GRCh38, chr2:227,012,216, plus strand): 5'-AAAAGAGGAGTGACTGAAACTCTACCTGGTCCTCCAGGGTAGCCGTCTTCTCCTGTGTCA[C>T]CTTTACGTCCGGGAGGCCCAGGAGACCCAGGGACGCCATCCACACCCCTCCTGCCATCCA-3'
Protein context (NP_000083.3, residues 1423-1443): PGSPGPPGRK[Gly1433Asp]DTGEDGYPGG

ClinVar aggregate classification (germline): Likely pathogenic. Review status: criteria provided, single submitter (1 of 4 stars). 2 submissions from 2 submitters: Likely pathogenic (1). 1 of the submissions does not count toward it. Last evaluated 2024-12-09.

Conditions:
Autosomal recessive Alport syndrome (ATS2). Also called: ALPORT SYNDROME 2, AUTOSOMAL RECESSIVE; Alport syndrome type 2; COL4A3-Related Nephropathy; COL4A4 Alport Syndrome and Thin Basement Membrane Nephropathy. Identifiers: Orphanet 63, Orphanet 88919, MedGen C4746745, MONDO:0008762, OMIM 203780.

Submissions (2):

GeneDx
Classification: Likely pathogenic. Last evaluated: 2024-12-09. Review status: criteria provided, single submitter. Criteria: GeneDx Variant Classification Process June 2021. Collection method: clinical testing. Allele origin: germline. Affected: yes.
Comment: Reported in a patient with end-stage kidney disease in published literature (PMID: 25514610); Not observed at significant frequency in large population cohorts (gnomAD); Affects a glycine residue in a Gly-X-Y motif in the triple helical region of the COL4A4 gene, where the majority of pathogenic missense variants occur, and is predicted to disrupt normal protein folding and function (PMID: 10752524); In silico analysis supports that this missense variant has a deleterious effect on protein structure/function; This variant is associated with the following publications: (PMID: 10752524, 25514610)

Counsyl
Classification: Uncertain significance for Autosomal recessive Alport syndrome. Last evaluated: 2017-12-08. Review status: no assertion criteria provided. Collection method: clinical testing. Allele origin: unknown. Not counted in ClinVar's aggregate classification.